The following is an entry in ClinVar:

ClinVar aggregate classification (germline): Uncertain significance (1 of 4 stars; one submission).

Submission:

Labcorp Genetics (formerly Invitae), Labcorp
Classification: Uncertain significance. Last evaluated: 2025-03-29. Review status: criteria provided, single submitter. Criteria: Invitae Variant Classification Sherloc (09022015). Collection method: clinical testing. Allele origin: germline.
Comment: This sequence change replaces methionine, which is neutral and non-polar, with isoleucine, which is neutral and non-polar, at codon 112 of the SMARCD2 protein (p.Met112Ile). This variant is not present in population databases (gnomAD no frequency). This variant has not been reported in the literature in individuals affected with SMARCD2-related conditions. Invitae Evidence Modeling of protein sequence and biophysical properties (such as structural, functional, and spatial information, amino acid conservation, physicochemical variation, residue mobility, and thermodynamic stability) indicates that this missense variant is not expected to disrupt SMARCD2 protein function with a negative predictive value of 80%. In summary, the available evidence is currently insufficient to determine the role of this variant in disease. Therefore, it has been classified as a Variant of Uncertain Significance.

NM_001098426.2(SMARCD2):c.336G>T (p.Met112Ile)

Gene: SMARCD2 (SWI/SNF related BAF chromatin remodeling complex subunit D2; minus strand). Cytogenetic location: 17q23.3.
Variant type: single nucleotide variant.
Coding change: c.336G>T on transcript NM_001098426.2 (MANE Select); coding-DNA position 336, G replaced by T.
Protein change: p.Met112Ile; replaces methionine 112 with isoleucine.
Molecular consequence: missense variant.
Genome position (GRCh38, 1-based): chr17:63,837,506, C>A on the plus strand (G>T on the coding strand, the complement: SMARCD2 is on the minus strand). VCF-style: chr17-63837506-C-A. GRCh37 (hg19) VCF-style: chr17-61914866-C-A.
Other names: c.111G>T, p.Met37Ile (NM_001330439.1); c.192G>T, p.Met64Ile (NM_001330440.2); short protein forms M112I, M37I, M64I.
Identifiers: ClinVar variation 4701031 (VCV004701031.1).
Genomic context (GRCh38, chr17:63,837,506, plus strand): 5'-GCGCTGGGCAGGCATGGGAGGCTGCGCCTGGGGCACAAGCAGGCGTTTTCGGAATGGATC[C>A]ATCATGGTGGGTGGCATGCCAGGTCGAAGCGGAGCTGCTGCACCAAATGGGGAGCCAGCA-3'
Protein context (NP_001091896.1, residues 102-122): PLRPGMPPTM[Met112Ile]DPFRKRLLVP